The following is an entry in ClinVar:

NM_002439.5(MSH3):c.2623G>C (p.Asp875His)

Gene: MSH3 (mutS homolog 3; plus strand). Cytogenetic location: 5q14.1.
Variant type: single nucleotide variant.
Coding change: c.2623G>C on transcript NM_002439.5 (MANE Select); coding-DNA position 2623, G replaced by C.
Protein change: p.Asp875His; replaces aspartic acid 875 with histidine.
Molecular consequence: missense variant.
Genome position (GRCh38, 1-based): chr5:80,792,812, G>C. VCF-style: chr5-80792812-G-C. GRCh37 (hg19) VCF-style: chr5-80088631-G-C.
Other names: short protein forms D875H.
Identifiers: ClinVar variation 4111106 (VCV004111106.1).
Genomic context (GRCh38, chr5:80,792,812, plus strand): 5'-AGAAAAATTGTAATAAAAAATGGAAGGCACCCTGTGATTGATGTGTTGCTGGGAGAACAG[G>C]ATCAATATGTCCCAAATAATACAGATTTATCAGTAAGTACCTTATGCCAAAAAATAAGTC-3'
Protein context (NP_002430.3, residues 865-885): PVIDVLLGEQ[Asp875His]QYVPNNTDLS

ClinVar aggregate classification (germline): Uncertain significance (1 of 4 stars; one submission).

Conditions:
Hereditary cancer-predisposing syndrome. Also called: Tumor predisposition; Neoplastic Syndromes, Hereditary; Hereditary neoplastic syndrome; Hereditary Cancer Syndrome. Identifiers: Orphanet 140162, MedGen C0027672, MeSH D009386, MONDO:0015356.

Submission:

Ambry Genetics
Classification: Uncertain significance for Hereditary cancer-predisposing syndrome. Last evaluated: 2025-08-03. Review status: criteria provided, single submitter. Criteria: Ambry Variant Classification Scheme 2023. Collection method: clinical testing. Allele origin: germline.
Comment: The p.D875H variant (also known as c.2623G>C), located in coding exon 19 of the MSH3 gene, results from a G to C substitution at nucleotide position 2623. The aspartic acid at codon 875 is replaced by histidine, an amino acid with similar properties. This amino acid position is conserved. In addition, this alteration is predicted to be tolerated by in silico analysis. Based on the available evidence, the clinical significance of this variant remains unclear.